The following is an entry in ClinVar:

NM_001042492.3(NF1):c.7526C>G (p.Pro2509Arg)

Gene: NF1 (neurofibromin 1; plus strand). Cytogenetic location: 17q11.2.
Variant type: single nucleotide variant.
Coding change: c.7526C>G on transcript NM_001042492.3 (MANE Select); coding-DNA position 7526, C replaced by G.
Protein change: p.Pro2509Arg; replaces proline 2509 with arginine.
Molecular consequence: missense variant.
Genome position (GRCh38, 1-based): chr17:31,352,325, C>G. VCF-style: chr17-31352325-C-G. GRCh37 (hg19) VCF-style: chr17-29679343-C-G.
Other names: c.7463C>G, p.Pro2488Arg (NM_000267.4); short protein forms P2488R, P2509R.
Identifiers: ClinVar variation 1004375 (VCV001004375.5), dbSNP rs786202146, ClinGen allele CA399017589.

ClinVar aggregate classification (germline): Uncertain significance (1 of 4 stars; one submission).

Conditions:
Neurofibromatosis, type 1 (NF1). Also called: NEUROFIBROMATOSIS, TYPE I, SOMATIC; Peripheral type neurofibromatosis; VON RECKLINGHAUSEN DISEASE; Neurofibromatosis, type I. Identifiers: Orphanet 636, MedGen C0027831, MONDO:0018975, OMIM 162200. Disease mechanism: loss of function.

Submission:

Labcorp Genetics (formerly Invitae), Labcorp
Classification: Uncertain significance for Neurofibromatosis, type 1. Last evaluated: 2023-01-22. Review status: criteria provided, single submitter. Criteria: Invitae Variant Classification Sherloc (09022015). Collection method: clinical testing. Allele origin: germline.
Comment: In summary, the available evidence is currently insufficient to determine the role of this variant in disease. Therefore, it has been classified as a Variant of Uncertain Significance. Advanced modeling of protein sequence and biophysical properties (such as structural, functional, and spatial information, amino acid conservation, physicochemical variation, residue mobility, and thermodynamic stability) has been performed at Invitae for this missense variant, however the output from this modeling did not meet the statistical confidence thresholds required to predict the impact of this variant on NF1 protein function. ClinVar contains an entry for this variant (Variation ID: 1004375). This variant has not been reported in the literature in individuals affected with NF1-related conditions. This variant is not present in population databases (gnomAD no frequency). This sequence change replaces proline, which is neutral and non-polar, with arginine, which is basic and polar, at codon 2488 of the NF1 protein (p.Pro2488Arg).